The following is an entry in ClinVar:

ClinVar aggregate classification (germline): Uncertain significance (1 of 4 stars; one submission).

gnomAD v4.1: 2 of 1,550,472 alleles (0.00013%); highest among the groups gnomAD compares: African/African-American, 0.0014%; no homozygotes.

Submission:

Mayo Clinic Laboratories, Mayo Clinic
Classification: Uncertain significance. Last evaluated: 2025-09-11. Review status: criteria provided, single submitter. Criteria: ACMG Guidelines, 2015. Collection method: clinical testing. Allele origin: germline. Observed: 1 variant allele.
Comment: BP4, PM2_moderate

NM_001292063.2(OTOG):c.5245C>A (p.Pro1749Thr)

Gene: OTOG (otogelin; plus strand). Cytogenetic location: 11p15.1.
Variant type: single nucleotide variant.
Coding change: c.5245C>A on transcript NM_001292063.2 (MANE Select); coding-DNA position 5245, C replaced by A.
Protein change: p.Pro1749Thr; replaces proline 1749 with threonine.
Molecular consequence: missense variant.
Genome position (GRCh38, 1-based): chr11:17,610,545, C>A. VCF-style: chr11-17610545-C-A. GRCh37 (hg19) VCF-style: chr11-17632092-C-A.
Other names: p.Pro1761Thr; c.5281C>A, p.Pro1761Thr (NM_001277269.2); short protein forms P1761T, P1749T.
Identifiers: ClinVar variation 4541608 (VCV004541608.1).